The following is an entry in ClinVar:

ClinVar aggregate classification (germline): Uncertain significance (1 of 4 stars; one submission).

Conditions:
Glycogen storage disease IXa1. Also called: LIVER GLYCOGENOSIS, X-LINKED, TYPE I; GLYCOGEN STORAGE DISEASE VIII; GSD VIII; Glycogen storage disease 8. Identifiers: Orphanet 264580, MedGen C3694531, MONDO:0010598, OMIM 306000.

gnomAD v4.1: 1 of 1,211,676 alleles (0.000083%); highest among the groups gnomAD compares: Non-Finnish European, 0.00011%; no homozygotes.

Submission:

Victorian Clinical Genetics Services, Murdoch Childrens Research Institute
Classification: Uncertain significance for Glycogen storage disease IXa1. Last evaluated: 2025-05-21. Review status: criteria provided, single submitter. Criteria: ACMG Guidelines, 2015. Collection method: clinical testing. Allele origin: germline. Affected: yes.
Comment: This variant is classified as VUS-3B. Evidence in support of pathogenic classification: Variant is present in gnomAD <0.01 (v4: 1 heterozygote(s), 0 homozygote(s), 0 hemizygote(s)); Missense variant predicted to be damaging by in silico tool(s) or highly conserved with a major amino acid change. Additional information: Variant is predicted to result in a missense amino acid change from serine to leucine; This variant is hemizygous; This gene is associated with X-linked recessive disease; This variant has no previous evidence of pathogenicity; No published segregation evidence has been identified for this variant; No published functional evidence has been identified for this variant; No comparable missense variants have previous evidence for pathogenicity; Variant is located in the annotated phosphorylase b kinase C-terminal domain (DECIPHER); Loss of function is a known mechanism of disease in this gene and is associated with glycogen storage disease, type IXa1 and type IXa2 (MIM#306000); Variants in this gene are known to have variable expressivity (PMID: 28116244).

Literature cited by the submitters: PubMed 28116244.

NM_000292.3(PHKA2):c.3377C>T (p.Ser1126Leu)

Genes: PHKA2-AS1 (PHKA2 antisense RNA 1; plus strand), PHKA2 (phosphorylase kinase regulatory subunit alpha 2; minus strand). Cytogenetic location: Xp22.13.
Variant type: single nucleotide variant.
Coding change: c.3377C>T on transcript NM_000292.3 (MANE Select); coding-DNA position 3377, C replaced by T.
Protein change: p.Ser1126Leu; replaces serine 1126 with leucine.
Molecular consequence: missense variant. On other transcripts: non-coding transcript variant (1).
Genome position (GRCh38, 1-based): chrX:18,894,364, G>A on the plus strand (C>T on the coding strand, the complement: PHKA2 is on the minus strand). VCF-style: chrX-18894364-G-A. GRCh37 (hg19) VCF-style: chrX-18912482-G-A.
Other names: c.3323C>T, p.Ser1108Leu (NM_001440800.1); c.3293C>T, p.Ser1098Leu (NM_001440801.1); c.3278C>T, p.Ser1093Leu (NM_001440802.1); c.3224C>T, p.Ser1075Leu (NM_001440803.1); c.3194C>T, p.Ser1065Leu (NM_001440804.1); c.3401C>T, p.Ser1134Leu (NM_001440805.1); short protein forms S1065L, S1075L, S1093L, S1098L, S1108L, S1126L, S1134L.
Identifiers: ClinVar variation 4532179 (VCV004532179.1).
Genomic context (GRCh38, chrX:18,894,364, plus strand): 5'-ACCATGATGGCTTCCACCAGCAGCTGCCGGTACTCGGGCTGCGGCACGCGGTTCAGCACC[G>A]ATTCGACATGGACAGCAAACTTGATCTCATGCGGGGTCATCTACCAAAGGGACAGGCAGG-3'
Protein context (NP_000283.1, residues 1116-1136): HEIKFAVHVE[Ser1126Leu]VLNRVPQPEY